The following is an entry in ClinVar:

ClinVar aggregate classification (germline): Pathogenic/Likely pathogenic. Review status: criteria provided, multiple submitters, no conflicts (2 of 4 stars). 2 submissions from 2 submitters: Pathogenic (1); Likely pathogenic (1). Last evaluated 2023-07-25.

Conditions:
NYX-related disorder. Also called: NYX-related condition.

Submissions (2):

Blueprint Genetics
Classification: Likely pathogenic for NYX-related disorders. Last evaluated: 2023-07-25. Review status: criteria provided, single submitter. Criteria: ACMG Guidelines, 2015. Collection method: clinical testing. Allele origin: germline. Affected: yes. Observed: 1 variant allele.

Labcorp Genetics (formerly Invitae), Labcorp
Classification: Pathogenic. Last evaluated: 2022-02-18. Review status: criteria provided, single submitter. Criteria: Invitae Variant Classification Sherloc (09022015). Collection method: clinical testing. Allele origin: germline.
Comment: This sequence change creates a premature translational stop signal (p.Ser45*) in the NYX gene. While this is not anticipated to result in nonsense mediated decay, it is expected to disrupt the last 437 amino acid(s) of the NYX protein. The frequency data for this variant in the population databases is considered unreliable, as metrics indicate insufficient coverage at this position in the gnomAD database. This variant has not been reported in the literature in individuals affected with NYX-related conditions. Algorithms developed to predict the effect of sequence changes on RNA splicing suggest that this variant may create or strengthen a splice site. This variant disrupts a region of the NYX protein in which other variant(s) (p.Cys362*) have been determined to be pathogenic (Invitae). This suggests that this is a clinically significant region of the protein, and that variants that disrupt it are likely to be disease-causing. For these reasons, this variant has been classified as Pathogenic.

NM_001378477.3(NYX):c.119C>A (p.Ser40Ter)

Gene: NYX (nyctalopin; plus strand). Cytogenetic location: Xp11.4.
Variant type: single nucleotide variant.
Coding change: c.119C>A on transcript NM_001378477.3 (MANE Select); coding-DNA position 119, C replaced by A.
Protein change: p.Ser40Ter; replaces serine 40 with a stop codon.
Molecular consequence: nonsense.
Genome position (GRCh38, 1-based): chrX:41,473,587, C>A. VCF-style: chrX-41473587-C-A. GRCh37 (hg19) VCF-style: chrX-41332840-C-A.
Other names: c.119C>A, p.Ser40Ter (NM_022567.3); short protein forms S40*.
Identifiers: ClinVar variation 2040255 (VCV002040255.5), dbSNP rs762359799, ClinGen allele CA412989445.